The following is an entry in ClinVar:

NM_005216.5(DDOST):c.286G>A (p.Val96Met)

Gene: DDOST (dolichyl-diphosphooligosaccharide--protein glycosyltransferase non-catalytic subunit; minus strand). Cytogenetic location: 1p36.12.
Variant type: single nucleotide variant.
Coding change: c.286G>A on transcript NM_005216.5 (MANE Select); coding-DNA position 286, G replaced by A.
Protein change: p.Val96Met; replaces valine 96 with methionine.
Molecular consequence: missense variant.
Genome position (GRCh38, 1-based): chr1:20,656,167, C>T on the plus strand (G>A on the coding strand, the complement: DDOST is on the minus strand). VCF-style: chr1-20656167-C-T. GRCh37 (hg19) VCF-style: chr1-20982660-C-T.
Other names: short protein forms V96M.
Identifiers: ClinVar variation 4748424 (VCV004748424.1).

ClinVar aggregate classification (germline): Uncertain significance (1 of 4 stars; one submission).

Conditions:
Congenital disorder of glycosylation type Ir (CDG1R). Also called: DDOST-congenital disorder of glycosylation. Identifiers: Orphanet 300536, MedGen C3281084, MONDO:0013789, OMIM 614507.

Submission:

Labcorp Genetics (formerly Invitae), Labcorp
Classification: Uncertain significance for Congenital disorder of glycosylation type Ir. Last evaluated: 2025-08-15. Review status: criteria provided, single submitter. Criteria: Invitae Variant Classification Sherloc (09022015). Collection method: clinical testing. Allele origin: germline.
Comment: This sequence change replaces valine, which is neutral and non-polar, with methionine, which is neutral and non-polar, at codon 113 of the DDOST protein (p.Val113Met). This variant is present in population databases (rs769421304, gnomAD 0.006%). This variant has not been reported in the literature in individuals affected with DDOST-related conditions. Invitae Evidence Modeling of protein sequence and biophysical properties (such as structural, functional, and spatial information, amino acid conservation, physicochemical variation, residue mobility, and thermodynamic stability) indicates that this missense variant is expected to disrupt DDOST protein function with a positive predictive value of 80%. In summary, the available evidence is currently insufficient to determine the role of this variant in disease. Therefore, it has been classified as a Variant of Uncertain Significance.